The following is an entry in ClinVar:

ClinVar aggregate classification (germline): Likely pathogenic (1 of 4 stars; one submission).

Submission:

GeneDx
Classification: Likely pathogenic. Last evaluated: 2023-10-09. Review status: criteria provided, single submitter. Criteria: GeneDx Variant Classification Process June 2021. Collection method: clinical testing. Allele origin: germline. Affected: yes.
Comment: Not observed at significant frequency in large population cohorts (gnomAD); In silico analysis supports that this missense variant has a deleterious effect on protein structure/function; This variant is associated with the following publications: (PMID: 20886638, 12203987, 11175294, 20591885)

NM_000138.5(FBN1):c.3713A>G (p.Asp1238Gly)

Gene: FBN1 (fibrillin 1; minus strand). Cytogenetic location: 15q21.1.
Variant type: single nucleotide variant.
Coding change: c.3713A>G on transcript NM_000138.5 (MANE Select); coding-DNA position 3713, A replaced by G.
Protein change: p.Asp1238Gly; replaces aspartic acid 1238 with glycine.
Molecular consequence: missense variant.
Genome position (GRCh38, 1-based): chr15:48,483,943, T>C on the plus strand (A>G on the coding strand, the complement: FBN1 is on the minus strand). VCF-style: chr15-48483943-T-C. GRCh37 (hg19) VCF-style: chr15-48776140-T-C.
Other names: c.3713A>G, p.Asp1238Gly (NM_001406716.1); short protein forms D1238G.
Identifiers: ClinVar variation 2662804 (VCV002662804.1), dbSNP rs2505541304, ClinGen allele CA392324255.